The following is an entry in ClinVar:

ClinVar aggregate classification (germline): Benign/Likely benign. Review status: criteria provided, multiple submitters, no conflicts (2 of 4 stars). 15 submissions from 15 submitters: Benign (7); Likely benign (8). Last evaluated 2026-07-01.

Conditions:
Hereditary cancer-predisposing syndrome. Also called: Hereditary neoplastic syndrome; Neoplastic Syndromes, Hereditary; Tumor predisposition; Hereditary Cancer Syndrome. Identifiers: Orphanet 140162, MedGen C0027672, MeSH D009386, MONDO:0015356.
Oligodontia-cancer predisposition syndrome. Also called: TOOTH AGENESIS-COLORECTAL CANCER SYNDROME. Identifiers: Orphanet 300576, MedGen C1837750, MONDO:0012075, OMIM 608615. Disease mechanism: loss of function.

Allele frequency attached by ClinVar (database versions not stated): ESP Exome Variant Server 0.00008; 1000 Genomes Project 30x 0.00016; 1000 Genomes Project 0.00020; TOPMed 0.00023; gnomAD 0.00025; ExAC 0.00033; gnomAD exomes 0.00035.
gnomAD v4.1: 435 of 1,609,242 alleles (0.027%); highest among the groups gnomAD compares: Non-Finnish European, 0.013%; 3 homozygotes.

Submissions (15):

CeGaT Center for Human Genetics Tuebingen
Classification: Likely benign. Last evaluated: 2026-07-01. Review status: criteria provided, single submitter. Criteria: CeGaT Center For Human Genetics Tuebingen Variant Classification Criteria Version 2. Collection method: clinical testing. Allele origin: germline. Affected: yes. Observed: 1 variant allele.
Comment: AXIN2: BP4

Labcorp Genetics (formerly Invitae), Labcorp
Classification: Benign for Oligodontia-cancer predisposition syndrome. Last evaluated: 2026-01-31. Review status: criteria provided, single submitter. Criteria: Invitae Variant Classification Sherloc (09022015). Collection method: clinical testing. Allele origin: germline.

Women's Health and Genetics/Laboratory Corporation of America, LabCorp
Classification: Benign. Last evaluated: 2025-09-29. Review status: criteria provided, single submitter. Criteria: LabCorp Variant Classification Summary - May 2015. Collection method: clinical testing. Allele origin: germline.

Center for Genomic Medicine, Rigshospitalet, Copenhagen University Hospital
Classification: Likely benign. Last evaluated: 2025-03-04. Review status: criteria provided, single submitter. Criteria: ACMG Guidelines, 2015. Collection method: clinical testing. Allele origin: germline.

Blueprint Genetics
Classification: Likely benign. Last evaluated: 2024-11-27. Review status: criteria provided, single submitter. Criteria: ACMG Guidelines, 2015. Collection method: clinical testing. Allele origin: germline.

Myriad Genetics, Inc.
Classification: Likely benign for Oligodontia-cancer predisposition syndrome. Last evaluated: 2024-06-28. Review status: criteria provided, single submitter. Criteria: Myriad Autosomal Dominant, Autosomal Recessive and X-Linked Classification Criteria (2023). Collection method: clinical testing. Allele origin: unknown.
Comment: This variant is considered likely benign. This variant is intronic and is not expected to impact mRNA splicing.

KCCC/NGS Laboratory, Kuwait Cancer Control Center
Classification: Benign for Oligodontia-cancer predisposition syndrome. Last evaluated: 2023-07-07. Review status: criteria provided, single submitter. Criteria: ACMG Guidelines, 2015. Collection method: clinical testing. Allele origin: germline. Affected: yes.

Quest Diagnostics Nichols Institute San Juan Capistrano
Classification: Benign. Last evaluated: 2022-04-19. Review status: criteria provided, single submitter. Criteria: Quest Diagnostics criteria. Collection method: clinical testing. Allele origin: unknown.

Genetic Services Laboratory, University of Chicago
Classification: Likely benign. Last evaluated: 2021-10-04. Review status: criteria provided, single submitter. Criteria: ACMG Guidelines, 2015. Collection method: clinical testing. Allele origin: germline. Affected: no.

ARUP Laboratories, Molecular Genetics and Genomics, ARUP Laboratories
Classification: Likely benign. Last evaluated: 2021-03-10. Review status: criteria provided, single submitter. Criteria: ARUP Molecular Germline Variant Investigation Process 2021. Collection method: clinical testing. Allele origin: germline.

Sema4
Classification: Benign for Hereditary cancer-predisposing syndrome. Last evaluated: 2020-07-02. Review status: criteria provided, single submitter. Criteria: Sema4 Curation Guidelines. Collection method: curation. Allele origin: germline.

Mendelics
Classification: Likely benign for Oligodontia-cancer predisposition syndrome. Last evaluated: 2019-05-28. Review status: criteria provided, single submitter. Criteria: Mendelics Assertion Criteria 2017. Collection method: clinical testing. Allele origin: unknown.

Illumina Laboratory Services, Illumina
Classification: Benign for Oligodontia-cancer predisposition syndrome. Last evaluated: 2018-01-12. Review status: criteria provided, single submitter. Criteria: ICSL Variant Classification Criteria 13 December 2019. Collection method: clinical testing. Allele origin: germline.
Comment: This variant was observed in the ICSL laboratory as part of a predisposition screen in an ostensibly healthy population. It had not been previously curated by ICSL or reported in the Human Gene Mutation Database (HGMD: prior to June 1st, 2018), and was therefore a candidate for classification through an automated scoring system. Utilizing variant allele frequency, disease prevalence and penetrance estimates, and inheritance mode, an automated score was calculated to assess if this variant is too frequent to cause the disease. Based on the score and internal cut-off values, a variant classified as benign is not then subjected to further curation. The score for this variant resulted in a classification of benign for this disease.

GeneDx
Classification: Benign. Last evaluated: 2014-03-11. Review status: criteria provided, single submitter. Criteria: GeneDx Variant Classification (06012015). Collection method: clinical testing. Allele origin: germline. Affected: yes.
Comment: This variant is considered likely benign or benign based on one or more of the following criteria: it is a conservative change, it occurs at a poorly conserved position in the protein, it is predicted to be benign by multiple in silico algorithms, and/or has population frequency not consistent with disease.

Breakthrough Genomics
Classification: Likely benign. Review status: criteria provided, single submitter. Criteria: ACMG Guidelines, 2015. Collection method: not provided. Allele origin: germline. Inheritance: Autosomal dominant inheritance. Affected: yes.

NM_004655.4(AXIN2):c.1059+8C>T

Gene: AXIN2 (axin 2; minus strand). Cytogenetic location: 17q24.1.
Variant type: single nucleotide variant.
Coding change: c.1059+8C>T on transcript NM_004655.4 (MANE Select); 8 bases into the intron after coding-DNA position 1059, C replaced by T.
Molecular consequence: intron variant.
Genome position (GRCh38, 1-based): chr17:65,541,447, G>A on the plus strand (C>T on the coding strand, the complement: AXIN2 is on the minus strand). VCF-style: chr17-65541447-G-A. GRCh37 (hg19) VCF-style: chr17-63537565-G-A.
Other names: c.1059+8C>T (LRG_296t1, NM_001363813.1).
Identifiers: ClinVar variation 136475 (VCV000136475.33), dbSNP rs367595502, ClinGen allele CA289619.